The following is an entry in ClinVar:

ClinVar aggregate classification (germline): Likely benign. Review status: criteria provided, multiple submitters, no conflicts (2 of 4 stars). 2 submissions from 2 submitters: Likely benign (2). Last evaluated 2025-09-16.

Conditions:
Arrhythmogenic cardiomyopathy with wooly hair and keratoderma. Also called: PALMOPLANTAR KERATODERMA WITH LEFT VENTRICULAR CARDIOMYOPATHY AND WOOLLY HAIR; Carvajal syndrome; Dilated cardiomyopathy with woolly hair and keratoderma; Arrhythmogenic cardiomyopathy with woolly hair and keratoderma. Identifiers: Orphanet 65282, MedGen C1854063, MONDO:0011581, OMIM 605676.
Arrhythmogenic right ventricular dysplasia 8 (ARVD8). Also called: ARRHYTHMOGENIC RIGHT VENTRICULAR DYSPLASIA, FAMILIAL, 8; ARRHYTHMOGENIC RIGHT VENTRICULAR CARDIOMYOPATHY 8; Arrhythmogenic Right Ventricular Dysplasia/Cardiomyopathy 8. Identifiers: MedGen C1843896, MONDO:0011831, OMIM 607450.

Allele frequency attached by ClinVar (database versions not stated): gnomAD exomes below 0.00001.
gnomAD v4.1: 1 of 1,614,154 alleles (0.000062%); highest among the groups gnomAD compares: Non-Finnish European, 0.000085%; no homozygotes.

Submissions (2):

Labcorp Genetics (formerly Invitae), Labcorp
Classification: Likely benign for Arrhythmogenic cardiomyopathy with wooly hair and keratoderma; Arrhythmogenic right ventricular dysplasia 8. Last evaluated: 2025-09-16. Review status: criteria provided, single submitter. Criteria: Invitae Variant Classification Sherloc (09022015). Collection method: clinical testing. Allele origin: germline.

All of Us Research Program, National Institutes of Health
Classification: Likely benign for Arrhythmogenic cardiomyopathy with wooly hair and keratoderma. Last evaluated: 2023-10-06. Review status: criteria provided, single submitter. Criteria: ACMG Guidelines, 2015. Collection method: clinical testing. Allele origin: germline. Inheritance: Autosomal dominant inheritance. Observed: 1 variant allele, 1 heterozygote.
Comment: This study involves interpretation of variants in research participants for the purpose of population health screening. Participant phenotype was not available at the time of variant classification. Additional details can be found in publication PMID: 35346344, PMCID: PMC8962531

NM_004415.4(DSP):c.4680G>A (p.Gln1560=)

Gene: DSP (desmoplakin; plus strand). Cytogenetic location: 6p24.3.
Variant type: single nucleotide variant.
Coding change: c.4680G>A on transcript NM_004415.4 (MANE Select); coding-DNA position 4680, G replaced by A.
Protein change: p.Gln1560=; no amino-acid change (glutamine 1560 retained).
Molecular consequence: synonymous variant. On other transcripts: intron variant (2).
Genome position (GRCh38, 1-based): chr6:7,580,870, G>A. VCF-style: chr6-7580870-G-A. GRCh37 (hg19) VCF-style: chr6-7581103-G-A.
Other names: c.4050+630G>A (NM_001319034.2); c.3582+1098G>A (NM_001008844.3).
Identifiers: ClinVar variation 3073673 (VCV003073673.2), dbSNP rs2533929820, ClinGen allele CA448715276.